The following is an entry in ClinVar:

NM_007265.3(ECD):c.231C>T (p.Gly77=)

Gene: ECD (ecdysoneless cell cycle regulator; minus strand). Cytogenetic location: 10q22.2.
Variant type: single nucleotide variant.
Coding change: c.231C>T on transcript NM_007265.3 (MANE Select); coding-DNA position 231, C replaced by T.
Protein change: p.Gly77=; no amino-acid change (glycine 77 retained).
Molecular consequence: synonymous variant. On other transcripts: non-coding transcript variant (1).
Genome position (GRCh38, 1-based): chr10:73,160,526, G>A on the plus strand (C>T on the coding strand, the complement: ECD is on the minus strand). VCF-style: chr10-73160526-G-A. GRCh37 (hg19) VCF-style: chr10-74920284-G-A.
Other names: c.231C>T, p.Gly77= (NM_001135752.1, NM_001135753.1).
Identifiers: ClinVar variation 2640582 (VCV002640582.24), dbSNP rs145243678, ClinGen allele CA5552724.

ClinVar aggregate classification (germline): Likely benign (1 of 4 stars; one submission).

Allele frequency attached by ClinVar (database versions not stated): gnomAD exomes 0.00022; ESP Exome Variant Server 0.00023; ExAC 0.00050; gnomAD 0.00055; TOPMed 0.00071.
gnomAD v4.1: 426 of 1,609,910 alleles (0.026%); highest among the groups gnomAD compares: Middle Eastern, 0.69%; 3 homozygotes.

Submission:

CeGaT Center for Human Genetics Tuebingen
Classification: Likely benign. Last evaluated: 2022-04-01. Review status: criteria provided, single submitter. Criteria: CeGaT Center For Human Genetics Tuebingen Variant Classification Criteria Version 2. Collection method: clinical testing. Allele origin: germline. Affected: yes. Observed: 1 variant allele.
Comment: ECD: BP4, BP7